The following is an entry in ClinVar:

ClinVar aggregate classification (germline): Uncertain significance (1 of 4 stars; one submission).

Conditions:
Inborn genetic diseases. Identifiers: MedGen C0950123, MeSH D030342.

Submission:

Ambry Genetics
Classification: Uncertain significance for Inborn genetic diseases. Last evaluated: 2025-05-11. Review status: criteria provided, single submitter. Criteria: Ambry Variant Classification Scheme 2023. Collection method: clinical testing. Allele origin: germline.
Comment: The p.L548R variant (also known as c.1643T>G), located in coding exon 1 of the SAMD9L gene, results from a T to G substitution at nucleotide position 1643. The leucine at codon 548 is replaced by arginine, an amino acid with dissimilar properties. This amino acid position is conserved. In addition, the in silico prediction for this alteration is inconclusive. Based on the available evidence, the clinical significance of this variant remains unclear.

NM_152703.5(SAMD9L):c.1643T>G (p.Leu548Arg)

Gene: SAMD9L (sterile alpha motif domain containing 9 like; minus strand). Cytogenetic location: 7q21.2.
Variant type: single nucleotide variant.
Coding change: c.1643T>G on transcript NM_152703.5 (MANE Select); coding-DNA position 1643, T replaced by G.
Protein change: p.Leu548Arg; replaces leucine 548 with arginine.
Molecular consequence: missense variant.
Genome position (GRCh38, 1-based): chr7:93,134,329, A>C on the plus strand (T>G on the coding strand, the complement: SAMD9L is on the minus strand). VCF-style: chr7-93134329-A-C. GRCh37 (hg19) VCF-style: chr7-92763642-A-C.
Other names: c.1643T>G, p.Leu548Arg (NM_001303496.3, NM_001303497.3, NM_001303498.3 and 5 more transcripts); short protein forms L548R.
Identifiers: ClinVar variation 3949914 (VCV003949914.1).
Genomic context (GRCh38, chr7:93,134,329, plus strand): 5'-TAGAAAGCCCAGAAAGTTTCAATGAGTGGATCTCCTGGGCTTTCCACTGAAGAGAGTAAT[A>C]GAAACACTACCAAAAATTTTCCTCTTGTCATTATATTTTCATCTGTGAGAAATAAAATTA-3'
Protein context (NP_689916.2, residues 538-558): MTRGKFLVVF[Leu548Arg]LLSSVESPGD